The following is an entry in ClinVar:

ClinVar aggregate classification (germline): Conflicting classifications of pathogenicity. Review status: criteria provided, conflicting classifications (1 of 4 stars). 3 submissions from 3 submitters: Uncertain significance (1); Likely benign (1). 1 of the submissions does not count toward it. Last evaluated 2026-09-11.

Conditions:
Primary hyperoxaluria, type I (HP1). Also called: HEPATIC AGT DEFICIENCY; Primary hyperoxaluria type 1; GLYCOLIC ACIDURIA; OXALOSIS I. Identifiers: Orphanet 416, Orphanet 93598, MedGen C0268164, MONDO:0009823, OMIM 259900. Disease mechanism: loss of function.
AGXT-related disorder. Also called: AGXT-related condition.

Allele frequency attached by ClinVar (database versions not stated): gnomAD 0.00001 and 0.00003; TOPMed 0.00002; gnomAD exomes 0.00008 and 0.00009; 1000 Genomes Project 30x 0.00016; ExAC 0.00029.
gnomAD v4.1: 119 of 1,550,666 alleles (0.0077%); highest among the groups gnomAD compares: East Asian, 0.1%; no homozygotes.

Submissions (3):

PreventionGenetics, part of Exact Sciences
Classification: Likely benign for AGXT-related condition. Last evaluated: 2026-09-11. Review status: criteria provided, single submitter. Criteria: ACMG Guidelines, 2015. Collection method: clinical testing. Allele origin: germline.
Comment: This variant is classified as likely benign based on ACMG/AMP sequence variant interpretation guidelines (Richards et al. 2015 PMID: 25741868, with internal and published modifications).

Labcorp Genetics (formerly Invitae), Labcorp
Classification: Uncertain significance. Last evaluated: 2024-01-18. Review status: criteria provided, single submitter. Criteria: Invitae Variant Classification Sherloc (09022015). Collection method: clinical testing. Allele origin: germline.
Comment: This sequence change affects codon 314 of the AGXT mRNA. It is a 'silent' change, meaning that it does not change the encoded amino acid sequence of the AGXT protein. This variant also falls at the last nucleotide of exon 9, which is part of the consensus splice site for this exon. This variant is present in population databases (rs553429935, gnomAD 0.05%). This variant has not been reported in the literature in individuals affected with AGXT-related conditions. ClinVar contains an entry for this variant (Variation ID: 853262). Variants that disrupt the consensus splice site are a relatively common cause of aberrant splicing (PMID: 17576681, 9536098). Algorithms developed to predict the effect of sequence changes on RNA splicing suggest that this variant is not likely to affect RNA splicing. In summary, the available evidence is currently insufficient to determine the role of this variant in disease. Therefore, it has been classified as a Variant of Uncertain Significance.

Natera, Inc.
Classification: Uncertain significance for Primary hyperoxaluria type I. Last evaluated: 2020-01-17. Review status: no assertion criteria provided. Collection method: clinical testing. Allele origin: germline. Not counted in ClinVar's aggregate classification.

Literature cited by the submitters: PubMed 17576681 (cited by Labcorp Genetics (formerly Invitae), Labcorp); PubMed 9536098 (cited by Labcorp Genetics (formerly Invitae), Labcorp).

NM_000030.3(AGXT):c.942G>A (p.Pro314=)

Gene: AGXT (alanine--glyoxylate aminotransferase; plus strand). Cytogenetic location: 2q37.3.
Variant type: single nucleotide variant.
Coding change: c.942G>A on transcript NM_000030.3 (MANE Select); coding-DNA position 942, G replaced by A.
Protein change: p.Pro314=; no amino-acid change (proline 314 retained).
Molecular consequence: synonymous variant.
Genome position (GRCh38, 1-based): chr2:240,877,632, G>A. VCF-style: chr2-240877632-G-A. GRCh37 (hg19) VCF-style: chr2-241817049-G-A.
Identifiers: ClinVar variation 853262 (VCV000853262.6), dbSNP rs553429935, ClinGen allele CA2209336.
Genomic context (GRCh38, chr2:240,877,632, plus strand): 5'-CGCGGCGTATCTGCATGGGCGCCTGCAGGCACTGGGGCTGCAGCTCTTCGTGAAGGACCC[G>A]GTAAGGAGGCCCCTGGCATTGGGCAGCCCTGCACCCATGGGGAAGGATGAGGGGCTCTTG-3'
Protein context (NP_000021.1, residues 304-324): ALGLQLFVKD[Pro314=]ALRLPTVTTV